The following is an entry in ClinVar:

NM_001429.4(EP300):c.5520_5522del (p.Val1841del)

Gene: EP300 (EP300 lysine acetyltransferase; plus strand). Cytogenetic location: 22q13.2.
Variant type: Deletion.
Coding change: c.5520_5522del on transcript NM_001429.4 (MANE Select); coding-DNA positions 5520 to 5522, 3 bases deleted (GGT; older notation c.5520_5522delGGT).
Protein change: p.Val1841del; deletes valine 1841.
Molecular consequence: inframe deletion.
Genome position (GRCh38, 1-based): chr22:41,177,231-41,177,233, GGT deleted; deleting any 3 consecutive bases within chr22:41,177,229-41,177,233 gives the same sequence; the c. name uses the placement nearest the transcript's 3' end. VCF-style (leftmost placement, unchanged base first): chr22-41177228-TGTG-T. GRCh37 (hg19) VCF-style: chr22-41573232-TGTG-T.
Other names: c.5442_5444del, p.Val1815del (NM_001362843.2); short protein forms V1841del, V1815del.
Identifiers: ClinVar variation 2231119 (VCV002231119.3), dbSNP rs762750398, ClinGen allele CA10253643.

ClinVar aggregate classification (germline): Uncertain significance. Review status: criteria provided, multiple submitters, no conflicts (2 of 4 stars). 2 submissions from 2 submitters: Uncertain significance (2). Last evaluated 2026-01-07.

Conditions:
EP300-related disorder. Also called: EP300-related condition; EP300-related disorders.
Inborn genetic diseases. Identifiers: MedGen C0950123, MeSH D030342.

Submissions (2):

PreventionGenetics, part of Exact Sciences
Classification: Uncertain significance for EP300-related condition. Last evaluated: 2026-01-07. Review status: criteria provided, single submitter. Criteria: ACMG Guidelines, 2015. Collection method: clinical testing. Allele origin: germline.
Comment: The EP300 c.5520_5522delGGT variant is predicted to result in an in-frame deletion (p.Val1841del). To our knowledge, this variant has not been reported in the literature or in a large population database (gnomAD), indicating this variant is rare. At this time, the clinical significance of this variant is uncertain due to the absence of conclusive functional and genetic evidence.

Ambry Genetics
Classification: Uncertain significance for Inborn genetic diseases. Last evaluated: 2021-06-06. Review status: criteria provided, single submitter. Criteria: Ambry Variant Classification Scheme 2023. Collection method: clinical testing. Allele origin: germline.
Comment: The c.5520_5522delGGT (p.V1841del) alteration is located in exon 31 (coding exon 31) of the EP300 gene. This alteration consists of an in-frame deletion of 3 nucleotides between nucleotide positions c.5520 and c.5522, resulting in the deletion of 1 residue. Based on insufficient or conflicting evidence, the clinical significance of this alteration remains unclear.